The following is an entry in ClinVar:

NM_017934.7(PHIP):c.4738GAAAAG[1] (p.1580EK[1])

Genes: IRAK1BP1 (interleukin 1 receptor associated kinase 1 binding protein 1; plus strand), PHIP (PHIP subunit of CUL4-Ring ligase complex; minus strand). Cytogenetic location: 6q14.1.
Variant type: Microsatellite.
Coding change: c.4738GAAAAG[1] on transcript NM_017934.7 (MANE Select); one copy of the 6-base unit GAAAAG starting at c.4738; the reference has two copies in a row; one copy, 6 bases deleted.
Protein change: p.1580EK[1].
Molecular consequence: inframe deletion.
Genome position (GRCh38, 1-based): chr6:78,945,379-78,945,384, CTTTTC deleted on the plus strand (GAAAAG on the coding strand, the reverse complement: PHIP is on the minus strand); deleting any 6 consecutive bases within chr6:78,945,379-78,945,391 gives the same sequence; the position shown is the placement nearest the transcript's 3' end. VCF-style (leftmost placement, unchanged base first): chr6-78945378-GCTTTTC-G. GRCh37 (hg19) VCF-style: chr6-79655095-GCTTTTC-G.
Identifiers: ClinVar variation 4982363 (VCV004982363.1).

ClinVar aggregate classification (germline): Uncertain significance (1 of 4 stars; one submission).

Conditions:
PHIP-related disorder. Also called: PHIP-related condition; PHIP-related disorders.

Submission:

PreventionGenetics, part of Exact Sciences
Classification: Uncertain significance for PHIP-related condition. Last evaluated: 2025-02-20. Review status: criteria provided, single submitter. Criteria: ACMG Guidelines, 2015. Collection method: clinical testing. Allele origin: germline.
Comment: The PHIP c.4744_4749del6 variant is predicted to result in an in-frame deletion (p.Glu1582_Lys1583del). To our knowledge, this variant has not been reported in the literature. This variant is reported in 0.0062% of alleles in individuals of African descent in gnomAD. At this time, the clinical significance of this variant is uncertain due to the absence of conclusive functional and genetic evidence.